The following is an entry in ClinVar:

NM_014921.5(ADGRL1):c.2894G>T (p.Gly965Val)

Genes: ADGRL1 (adhesion G protein-coupled receptor L1; minus strand), ADGRL1-AS1 (ADGRL1 antisense RNA 1; plus strand). Cytogenetic location: 19p13.12.
Variant type: single nucleotide variant.
Coding change: c.2894G>T on transcript NM_014921.5 (MANE Select); coding-DNA position 2894, G replaced by T.
Protein change: p.Gly965Val; replaces glycine 965 with valine.
Molecular consequence: missense variant.
Genome position (GRCh38, 1-based): chr19:14,156,997, C>A on the plus strand (G>T on the coding strand, the complement: ADGRL1 is on the minus strand). VCF-style: chr19-14156997-C-A. GRCh37 (hg19) VCF-style: chr19-14267809-C-A.
Other names: c.2909G>T, p.Gly970Val (NM_001008701.3); short protein forms G965V, G970V.
Identifiers: ClinVar variation 4975070 (VCV004975070.1).

ClinVar aggregate classification (germline): Uncertain significance (1 of 4 stars; one submission).

Submission:

GeneDx
Classification: Uncertain significance. Last evaluated: 2024-10-24. Review status: criteria provided, single submitter. Criteria: GeneDx Variant Classification Process June 2021. Collection method: clinical testing. Allele origin: germline.
Comment: Not observed at significant frequency in large population cohorts (gnomAD); In silico analysis supports that this missense variant has a deleterious effect on protein structure/function; Has not been previously published as pathogenic or benign to our knowledge; Variants in candidate genes are classified as variants of uncertain significance in accordance with ACMG guidelines (PMID: 25741868)